The following is an entry in ClinVar:

NM_002700.3(POU4F3):c.255C>A (p.Ser85Arg)

Genes: POU4F3 (POU class 4 homeobox 3; plus strand), LOC127814297 (RBM27-POU4F3; plus strand). Cytogenetic location: 5q32.
Variant type: single nucleotide variant.
Coding change: c.255C>A on transcript NM_002700.3 (MANE Select); coding-DNA position 255, C replaced by A.
Protein change: p.Ser85Arg; replaces serine 85 with arginine.
Molecular consequence: missense variant. On other transcripts: 3 prime UTR variant (1).
Genome position (GRCh38, 1-based): chr5:146,339,682, C>A. VCF-style: chr5-146339682-C-A. GRCh37 (hg19) VCF-style: chr5-145719245-C-A.
Other names: c.*124C>A (NM_001414499.1); short protein forms S85R.
Identifiers: ClinVar variation 3309047 (VCV003309047.2).
Genomic context (GRCh38, chr5:146,339,682, plus strand): 5'-CGTCTCCCACGGCAAGAACCATCCGTTCAAGCCCGACGCCACCTACCATACCATGAGCAG[C>A]GTGCCCTGCACGTCCACTTCGTCCACCGTGCCCATCTCCCACCCAGCTGCGCTCACCTCA-3'
Protein context (NP_002691.1, residues 75-95): KPDATYHTMS[Ser85Arg]VPCTSTSSTV

ClinVar aggregate classification (germline): Uncertain significance. Review status: criteria provided, multiple submitters, no conflicts (2 of 4 stars). 2 submissions from 2 submitters: Uncertain significance (2). Last evaluated 2024-03-28.

Conditions:
Inborn genetic diseases. Identifiers: MedGen C0950123, MeSH D030342.

gnomAD v4.1: 9 of 1,614,236 alleles (0.00056%); highest among the groups gnomAD compares: South Asian, 0.0077%; no homozygotes.

Submissions (2):

Ambry Genetics
Classification: Uncertain significance for Inborn genetic diseases. Last evaluated: 2024-03-28. Review status: criteria provided, single submitter. Criteria: Ambry Variant Classification Scheme 2023. Collection method: clinical testing. Allele origin: germline.

GeneDx
Classification: Uncertain significance. Last evaluated: 2023-07-14. Review status: criteria provided, single submitter. Criteria: GeneDx Variant Classification Process June 2021. Collection method: clinical testing. Allele origin: germline. Affected: yes.
Comment: In silico analysis supports that this missense variant does not alter protein structure/function; Has not been previously published as pathogenic or benign to our knowledge